The following is an entry in ClinVar:

NM_001039213.4(CEACAM16):c.667C>A (p.Pro223Thr)

Genes: CEACAM16 (CEA cell adhesion molecule 16, tectorial membrane component; plus strand), CEACAM16-AS1 (CEACAM16, CEACAM19 and PVR antisense RNA 1; minus strand). Cytogenetic location: 19q13.32.
Variant type: single nucleotide variant.
Coding change: c.667C>A on transcript NM_001039213.4 (MANE Select); coding-DNA position 667, C replaced by A.
Protein change: p.Pro223Thr; replaces proline 223 with threonine.
Molecular consequence: missense variant.
Genome position (GRCh38, 1-based): chr19:44,705,595, C>A. VCF-style: chr19-44705595-C-A. GRCh37 (hg19) VCF-style: chr19-45208865-C-A.
Other names: short protein forms P223T.
Identifiers: ClinVar variation 1306665 (VCV001306665.2), dbSNP rs200359614, ClinGen allele CA308871081.

ClinVar aggregate classification (germline): Uncertain significance (1 of 4 stars; one submission).

Allele frequency attached by ClinVar (database versions not stated): gnomAD exomes below 0.00001; TOPMed below 0.00001.
gnomAD v4.1: 2 of 1,599,146 alleles (0.00013%); highest among the groups gnomAD compares: Middle Eastern, 0.017%; no homozygotes.

Submission:

GeneDx
Classification: Uncertain significance. Last evaluated: 2019-02-11. Review status: criteria provided, single submitter. Criteria: GeneDx Variant Classification Process June 2021. Collection method: clinical testing. Allele origin: germline. Affected: yes.
Comment: In silico analysis, which includes protein predictors and evolutionary conservation, supports a deleterious effect; Has not been previously published as pathogenic or benign to our knowledge